The following is an entry in ClinVar:

NC_000009.12:g.(?_6550783)_(6620339_?)del

Genes: GLDC (glycine decarboxylase; minus strand), LOC113839554 (Sharpr-MPRA regulatory region 10661; plus strand), LOC126860573 (P300/CBP strongly-dependent group 1 enhancer GRCh37_chr9:6566198-6567397; plus strand), LOC130001537 (ATAC-STARR-seq lymphoblastoid active region 28187; plus strand). Cytogenetic location: 9p24.1.
Variant type: Deletion.
Identifiers: ClinVar variation 531792 (VCV000531792.3).

ClinVar aggregate classification (germline): Pathogenic (1 of 4 stars; one submission).

Conditions:
Glycine encephalopathy. Also called: Non-ketotic hyperglycinemia; Nonketotic hyperglycinemia. Identifiers: Orphanet 407, MedGen C0751748, MONDO:0011612, HP:0008288.

Submission:

Labcorp Genetics (formerly Invitae), Labcorp
Classification: Pathogenic for Glycine encephalopathy. Last evaluated: 2022-10-08. Review status: criteria provided, single submitter. Criteria: Invitae Variant Classification Sherloc (09022015). Collection method: clinical testing. Allele origin: germline.
Comment: This variant is a gross deletion of the genomic region encompassing exon(s) 3-21 of the GLDC gene. This variant would be expected to be in-frame, preserving the integrity of the reading frame. A similar copy number variant has been observed in individual(s) with glycine encephalopathy (PMID: 26179960). The region of the GLDC gene that includes exon(s) 3-9 has been determined to be clinically significant (PMID: 17361008, 27362913). Therefore, deletions that encompass that region are likely to be disease-causing. For these reasons, this variant has been classified as Pathogenic.

Literature cited by the submitters: PubMed 26179960; PubMed 17361008; PubMed 27362913.